The following is an entry in ClinVar:

ClinVar aggregate classification (germline): Uncertain significance (1 of 4 stars; one submission).

Submission:

GeneDx
Classification: Uncertain significance. Last evaluated: 2022-06-30. Review status: criteria provided, single submitter. Criteria: GeneDx Variant Classification Process June 2021. Collection method: clinical testing. Allele origin: germline. Affected: yes.
Comment: Not observed at significant frequency in large population cohorts (gnomAD); In silico analysis supports that this missense variant has a deleterious effect on protein structure/function; Has not been previously published as pathogenic or benign to our knowledge; This variant is associated with the following publications: (PMID: 25471517)

NM_005051.3(QARS1):c.1746T>G (p.Phe582Leu)

Gene: QARS1 (glutaminyl-tRNA synthetase 1; minus strand). Cytogenetic location: 3p21.31.
Variant type: single nucleotide variant.
Coding change: c.1746T>G on transcript NM_005051.3 (MANE Select); coding-DNA position 1746, T replaced by G.
Protein change: p.Phe582Leu; replaces phenylalanine 582 with leucine.
Molecular consequence: missense variant. On other transcripts: non-coding transcript variant (1).
Genome position (GRCh38, 1-based): chr3:49,099,122, A>C on the plus strand (T>G on the coding strand, the complement: QARS1 is on the minus strand). VCF-style: chr3-49099122-A-C. GRCh37 (hg19) VCF-style: chr3-49136555-A-C.
Other names: c.1713T>G, p.Phe571Leu (NM_001272073.2); short protein forms F571L, F582L.
Identifiers: ClinVar variation 1809955 (VCV001809955.1), dbSNP rs762223639, ClinGen allele CA352701886.